The following is an entry in ClinVar:

NM_000071.3(CBS):c.736+281A>C

Gene: CBS (cystathionine beta-synthase; minus strand). Cytogenetic location: 21q22.3.
Variant type: single nucleotide variant.
Coding change: c.736+281A>C on transcript NM_000071.3 (MANE Select); 281 bases into the intron after coding-DNA position 736, A replaced by C.
Molecular consequence: intron variant.
Genome position (GRCh38, 1-based): chr21:43,064,922, T>G on the plus strand (A>C on the coding strand, the complement: CBS is on the minus strand). VCF-style: chr21-43064922-T-G. GRCh37 (hg19) VCF-style: chr21-44485032-T-G.
Other names: c.736+281A>C (NM_001320298.2, NM_001178009.3, NM_001178008.3); c.421+281A>C (NM_001321072.1).
Identifiers: ClinVar variation 669933 (VCV000669933.1), dbSNP rs115877954, ClinGen allele CA321095199.

ClinVar aggregate classification (germline): Benign (1 of 4 stars; one submission).

Allele frequency attached by ClinVar (database versions not stated): gnomAD 0.01510; 1000 Genomes Project 0.02177; TOPMed 0.02164; 1000 Genomes Project 30x 0.02717.

Submission:

GeneDx
Classification: Benign. Last evaluated: 2018-06-14. Review status: criteria provided, single submitter. Criteria: GeneDx Variant Classification (06012015). Collection method: clinical testing. Allele origin: germline. Affected: yes.
Comment: This variant is considered likely benign or benign based on one or more of the following criteria: it is a conservative change, it occurs at a poorly conserved position in the protein, it is predicted to be benign by multiple in silico algorithms, and/or has population frequency not consistent with disease.